The following is an entry in ClinVar:

NM_001039886.4(ZNF808):c.1948del (p.Thr650fs)

Gene: ZNF808 (zinc finger protein 808; plus strand). Cytogenetic location: 19q13.41.
Variant type: Deletion.
Coding change: c.1948del on transcript NM_001039886.4 (MANE Select); coding-DNA position 1948, one base deleted (A; older notation c.1948delA).
Protein change: p.Thr650fs; shifts the reading frame from threonine 650.
Molecular consequence: frameshift variant.
Genome position (GRCh38, 1-based): chr19:52,554,864, A deleted; the last of 6 consecutive A bases (chr19:52,554,859-52,554,864); deleting any one gives the same sequence. VCF-style (leftmost placement, unchanged base first): chr19-52554858-GA-G. GRCh37 (hg19) VCF-style: chr19-53058111-GA-G.
Other names: c.1948del, p.Thr650fs (NM_001321424.2, NM_001321425.2); c.1741del, p.Thr581fs (NM_001363550.2); short protein forms T581fs, T650fs.
Identifiers: ClinVar variation 3901191 (VCV003901191.2).
Genomic context (GRCh38, chr19:52,554,858, plus strand): 5'-TGTGACACAGCTTTCACGTGGAATTCACAGCTGGCACGACATACAAGAATTCACACTGGA[GA>G]AAAAACTTACAAGTGTAATGAGTGTGGGAAGACCTTCAGTTACAAGTCATCACTTGTATG-3'

ClinVar aggregate classification (germline): Likely pathogenic. Review status: criteria provided, multiple submitters, no conflicts (2 of 4 stars). 2 submissions from 2 submitters: Likely pathogenic (2). Last evaluated 2025-06-02.

Conditions:
Pancreatic agenesis 3. Identifiers: MedGen C5975489, MONDO:0975839, OMIM 620991.

Submissions (2):

Institute of Human Genetics, University of Leipzig Medical Center
Classification: Likely pathogenic for Pancreatic agenesis 3. Last evaluated: 2025-06-02. Review status: criteria provided, single submitter. Criteria: ACMG Guidelines, 2015. Collection method: clinical testing. Allele origin: unknown. Inheritance: Autosomal recessive inheritance. Affected: yes.

3billion
Classification: Likely pathogenic for Pancreatic agenesis 3. Last evaluated: 2025-02-11. Review status: criteria provided, single submitter. Criteria: ACMG Guidelines, 2015. Collection method: clinical testing. Allele origin: germline. Affected: yes.
Comment: The variant is not observed in the gnomAD v4.1.0 dataset. Predicted Consequence/Location: Frameshift: predicted to result in a loss or disruption of normal protein function through protein truncation. The predicted truncated protein may be shortened by more than 10%. Therefore, this variant is classified as Likely pathogenic according to the recommendation of ACMG/AMP guideline.